The following is an entry in ClinVar:

NM_002474.3(MYH11):c.1032A>T (p.Leu344=)

Gene: MYH11 (myosin heavy chain 11; minus strand). Cytogenetic location: 16p13.11.
Variant type: single nucleotide variant.
Coding change: c.1032A>T on transcript NM_002474.3 (MANE Select); coding-DNA position 1032, A replaced by T.
Protein change: p.Leu344=; no amino-acid change (leucine 344 retained).
Molecular consequence: synonymous variant.
Genome position (GRCh38, 1-based): chr16:15,771,570, T>A on the plus strand (A>T on the coding strand, the complement: MYH11 is on the minus strand). VCF-style: chr16-15771570-T-A. GRCh37 (hg19) VCF-style: chr16-15865427-T-A.
Other names: c.1053A>T, p.Leu351= (NM_001040113.2, NM_001040114.2); c.1032A>T, p.Leu344= (NM_022844.3).
Identifiers: ClinVar variation 921085 (VCV000921085.14), dbSNP rs112474866, ClinGen allele CA7922754.

ClinVar aggregate classification (germline): Likely benign. Review status: criteria provided, multiple submitters, no conflicts (2 of 4 stars). 4 submissions from 4 submitters: Likely benign (4). Last evaluated 2024-04-16.

Conditions:
Familial thoracic aortic aneurysm and aortic dissection (TAAD). Also called: Thoracic aortic aneurysms and dissections. Identifiers: Orphanet 91387, MedGen C4707243, MONDO:0019625.
Aortic aneurysm, familial thoracic 4 (AAT4). Also called: AORTIC ANEURYSM/AORTIC DISSECTION AND PATENT DUCTUS ARTERIOSUS. Identifiers: MedGen C1851504, MONDO:0007568, OMIM 132900.

gnomAD v4.1: 17 of 1,613,442 alleles (0.0011%); highest among the groups gnomAD compares: South Asian, 0.013%; no homozygotes.

Submissions (5):

All of Us Research Program, National Institutes of Health
Classification: Likely benign for Familial thoracic aortic aneurysm and aortic dissection. Last evaluated: 2024-04-16. Review status: criteria provided, single submitter. Criteria: ACMG Guidelines, 2015. Collection method: clinical testing. Allele origin: germline. Inheritance: Autosomal dominant inheritance. Observed: 1 variant allele, 1 heterozygote.
Comment: This study involves interpretation of variants in research participants for the purpose of population health screening. Participant phenotype was not available at the time of variant classification. Additional details can be found in publication PMID: 35346344, PMCID: PMC8962531

Ambry Genetics
Classification: Likely benign for Familial thoracic aortic aneurysm and aortic dissection. Last evaluated: 2022-09-24. Review status: criteria provided, single submitter. Criteria: Ambry Variant Classification Scheme 2023. Collection method: clinical testing. Allele origin: germline.

Labcorp Genetics (formerly Invitae), Labcorp
Classification: Likely benign for Aortic aneurysm, familial thoracic 4. Last evaluated: 2020-08-20. Review status: criteria provided, single submitter. Criteria: Invitae Variant Classification Sherloc (09022015). Collection method: clinical testing. Allele origin: germline.

Color Diagnostics, LLC DBA Color Health
Classification: Likely benign for Familial thoracic aortic aneurysm and aortic dissection. Last evaluated: 2019-10-30. Review status: criteria provided, single submitter. Criteria: ACMG Guidelines, 2015. Collection method: clinical testing. Allele origin: germline.

Dr. Peter K. Rogan Lab, Western University
No classification provided (evidence only). Condition: Thyroid cancer, nonmedullary, 1. Review status: no classification provided. Collection method: in vitro. Allele origin: not applicable. Functional consequence: retained intron. Not counted in ClinVar's aggregate classification.